The following is an entry in ClinVar:

NM_000038.6(APC):c.3581C>A (p.Ser1194Ter)

Gene: APC (APC regulator of Wnt signaling pathway; plus strand). Cytogenetic location: 5q22.2.
Variant type: single nucleotide variant.
Coding change: c.3581C>A on transcript NM_000038.6 (MANE Select); coding-DNA position 3581, C replaced by A.
Protein change: p.Ser1194Ter; replaces serine 1194 with a stop codon.
Molecular consequence: nonsense.
Genome position (GRCh38, 1-based): chr5:112,839,175, C>A. VCF-style: chr5-112839175-C-A. GRCh37 (hg19) VCF-style: chr5-112174872-C-A.
Other names: c.3308C>A, p.Ser1103Ter (NM_001354902.2); c.3278C>A, p.Ser1093Ter (NM_001354903.2); c.3203C>A, p.Ser1068Ter (NM_001354904.2); c.3101C>A, p.Ser1034Ter (NM_001354905.2); c.2732C>A, p.Ser911Ter (NM_001354906.2); c.3581C>A, p.Ser1194Ter (NM_001127510.3, NM_001354895.2); c.3527C>A, p.Ser1176Ter (NM_001127511.3); c.3635C>A, p.Ser1212Ter (NM_001354896.2); and 5 more; short protein forms S1034*, S1068*, S1093*, S1103*, S1135*, S1153*, S1166*, S1169*.
Identifiers: ClinVar variation 1192196 (VCV001192196.31), dbSNP rs2149894857, ClinGen allele CA16029200.

ClinVar aggregate classification (germline): Pathogenic. Review status: criteria provided, multiple submitters, no conflicts (2 of 4 stars). 4 submissions from 4 submitters: Pathogenic (4). Last evaluated 2025-08-13.

Conditions:
Hereditary cancer-predisposing syndrome. Also called: Neoplastic Syndromes, Hereditary; Hereditary Cancer Syndrome; Hereditary neoplastic syndrome; Tumor predisposition. Identifiers: Orphanet 140162, MedGen C0027672, MeSH D009386, MONDO:0015356.
Familial multiple polyposis syndrome (FAP). Also called: Familial adenomatous polyposis; Familial intestinal polyposis; Classic familial adenomatous polyposis; Familial Adenomatous Polyposis (FAP); Familial polyposis. Identifiers: Orphanet 733, MedGen C0032580, MONDO:0021055. Disease mechanism: loss of function.
Familial adenomatous polyposis 1 (FAP1). Also called: FAMILIAL ADENOMATOUS POLYPOSIS 1, ATTENUATED; POLYPOSIS, ADENOMATOUS INTESTINAL. Identifiers: MedGen C2713442, MONDO:0021056, OMIM 175100. Disease mechanism: loss of function.

Submissions (4):

Labcorp Genetics (formerly Invitae), Labcorp
Classification: Pathogenic for Familial adenomatous polyposis 1. Last evaluated: 2025-08-13. Review status: criteria provided, single submitter. Criteria: Invitae Variant Classification Sherloc (09022015). Collection method: clinical testing. Allele origin: germline.
Comment: This sequence change creates a premature translational stop signal (p.Ser1194*) in the APC gene. While this is not anticipated to result in nonsense mediated decay, it is expected to disrupt the last 1650 amino acid(s) of the APC protein. This variant is not present in population databases (gnomAD no frequency). This premature translational stop signal has been observed in individual(s) with familial adenomatous polyposis (PMID: 9101302, 10077047, 14523376). ClinVar contains an entry for this variant (Variation ID: 1192196). This variant is expected to disrupt the EB1 and HDLG binding sites, which mediate interactions with the cytoskeleton (PMID: 15311282, 17293347). While functional studies have not been performed to directly test the effect on APC protein function, this suggests that disruption of the C-terminal portion of the protein is functionally important. A different truncation (p.Tyr2645Lysfs*14) that lies downstream of this variant has been determined to be pathogenic (PMID: 9824584, 1316610, 27081525, 8381579, 22135120, internal data). This suggests that deletion of this region of the APC protein is causative of disease. For these reasons, this variant has been classified as Pathogenic.

CeGaT Center for Human Genetics Tuebingen
Classification: Pathogenic. Last evaluated: 2023-11-01. Review status: criteria provided, single submitter. Criteria: CeGaT Center For Human Genetics Tuebingen Variant Classification Criteria Version 2. Collection method: clinical testing. Allele origin: germline. Affected: yes. Observed: 1 variant allele.
Comment: APC: PVS1, PP1:Strong, PM2

Women's Health and Genetics/Laboratory Corporation of America, LabCorp
Classification: Pathogenic for Familial multiple polyposis syndrome. Last evaluated: 2021-07-26. Review status: criteria provided, single submitter. Criteria: LabCorp Variant Classification Summary - May 2015. Collection method: clinical testing. Allele origin: germline.
Comment: Variant summary: APC c.3581C>A (p.Ser1194X) results in a premature termination codon, predicted to cause a truncation of the encoded protein or absence of the protein due to nonsense mediated decay, which are commonly known mechanisms for disease. Truncations downstream of this position have been classified as pathogenic by our laboratory. The variant was absent in 250248 control chromosomes. c.3581C>A has been reported in the literature in individuals affected with Familial Adenomatous Polyposis (Aretz_2004, Friedl_2005). These data indicate that the variant is likely to be associated with disease. No clinical diagnostic laboratories have submitted clinical-significance assessments for this variant to ClinVar after 2014. Based on the evidence outlined above, the variant was classified as pathogenic.

Ambry Genetics
Classification: Pathogenic for Hereditary cancer-predisposing syndrome. Last evaluated: 2021-04-29. Review status: criteria provided, single submitter. Criteria: Ambry Variant Classification Scheme 2023. Collection method: clinical testing. Allele origin: germline.
Comment: The p.S1194* pathogenic mutation (also known as c.3581C>A), located in coding exon 15 of the APC gene, results from a C to A substitution at nucleotide position 3581. This changes the amino acid from a serine to a stop codon within coding exon 15. This alteration has been detected in several patients with familial adenomatous polyposis (Gebert JF et al. Ann Surg. 1999 Mar;229:350-61; Lamlum H et al. Nat Med. 1999 Sep;5:1071-5; Michils G et al. Eur J Hum Genet. 2002 Sep;10:505-10; Friedl W et al. Hered Cancer Clin Pract. 2005 Sep;3:95-114). In addition to the clinical data presented in the literature, this alteration is expected to result in loss of function by premature protein truncation or nonsense-mediated mRNA decay. As such, this alteration is interpreted as a disease-causing mutation.

Literature cited by the submitters: PubMed 9101302 (cited by Labcorp Genetics (formerly Invitae), Labcorp); PubMed 10077047 (cited by Labcorp Genetics (formerly Invitae), Labcorp and Ambry Genetics); PubMed 14523376 (cited by Labcorp Genetics (formerly Invitae), Labcorp and Women's Health and Genetics/Laboratory Corporation of America, LabCorp); PubMed 15311282 (cited by Labcorp Genetics (formerly Invitae), Labcorp); PubMed 17293347 (cited by Labcorp Genetics (formerly Invitae), Labcorp); PubMed 9824584 (cited by Labcorp Genetics (formerly Invitae), Labcorp); PubMed 1316610 (cited by Labcorp Genetics (formerly Invitae), Labcorp); PubMed 27081525 (cited by Labcorp Genetics (formerly Invitae), Labcorp); PubMed 8381579 (cited by Labcorp Genetics (formerly Invitae), Labcorp); PubMed 22135120 (cited by Labcorp Genetics (formerly Invitae), Labcorp); PubMed 20223039 (cited by Women's Health and Genetics/Laboratory Corporation of America, LabCorp and Ambry Genetics); PubMed 10470088 (cited by Ambry Genetics); PubMed 12173026 (cited by Ambry Genetics).